The following is an entry in ClinVar:

NM_003114.5(SPAG1):c.140+1G>A

Gene: SPAG1 (sperm associated antigen 1; plus strand). Cytogenetic location: 8q22.2.
Variant type: single nucleotide variant.
Coding change: c.140+1G>A on transcript NM_003114.5 (MANE Select); the canonical splice donor site of the intron after coding-DNA position 140, G replaced by A.
Molecular consequence: splice donor variant.
Genome position (GRCh38, 1-based): chr8:100,162,421, G>A. VCF-style: chr8-100162421-G-A. GRCh37 (hg19) VCF-style: chr8-101174649-G-A.
Other names: c.140+1G>A (NM_001374321.1, NM_172218.3).
Identifiers: ClinVar variation 410992 (VCV000410992.10), dbSNP rs1060503104, ClinGen allele CA16612448.
Genomic context (GRCh38, chr8:100,162,421, plus strand): 5'-CAAATACATTGAAAAATGTTCAGATGTTAAACATCTGGAAAAAATTCTTTGCGTGCTCAG[G>A]TAAGCATTTTAAAATCATTACATGTTTTAGTATGACAGTTTTAATTATCTTGTTGTTACC-3'

ClinVar aggregate classification (germline): Likely pathogenic (1 of 4 stars; one submission).

Conditions:
Primary ciliary dyskinesia 28. Also called: CILIARY DYSKINESIA, PRIMARY, 28, WITH OR WITHOUT SITUS INVERSUS. Identifiers: Orphanet 244, MedGen C3809706, MONDO:0014216, OMIM 615505.

Allele frequency attached by ClinVar (database versions not stated): gnomAD 0.00001.

Submission:

Labcorp Genetics (formerly Invitae), Labcorp
Classification: Likely pathogenic for Primary ciliary dyskinesia 28. Last evaluated: 2018-08-31. Review status: criteria provided, single submitter. Criteria: Invitae Variant Classification Sherloc (09022015). Collection method: clinical testing. Allele origin: germline.
Comment: Donor and acceptor splice site variants typically lead to a loss of protein function (PMID: 16199547), and loss-of-function variants in SPAG1 are known to be pathogenic (PMID: 24055112). In summary, the currently available evidence indicates that the variant is pathogenic, but additional data are needed to prove that conclusively. Therefore, this variant has been classified as Likely Pathogenic. This sequence change affects a donor splice site in intron 2 of the SPAG1 gene. It is expected to disrupt RNA splicing and likely results in an absent or disrupted protein product. This variant is not present in population databases (ExAC no frequency).

Literature cited by the submitters: PubMed 16199547; PubMed 24055112.